The following is an entry in ClinVar:

ClinVar aggregate classification (germline): Uncertain significance. Review status: criteria provided, multiple submitters, no conflicts (2 of 4 stars). 2 submissions from 2 submitters: Uncertain significance (2). Last evaluated 2024-10-24.

Conditions:
Inborn genetic diseases. Identifiers: MedGen C0950123, MeSH D030342.

gnomAD v4.1: 4 of 1,224,980 alleles (0.00033%); highest among the groups gnomAD compares: Admixed American, 0.0043%; no homozygotes.

Submissions (2):

Ambry Genetics
Classification: Uncertain significance for Inborn genetic diseases. Last evaluated: 2024-10-24. Review status: criteria provided, single submitter. Criteria: Ambry Variant Classification Scheme 2023. Collection method: clinical testing. Allele origin: germline.

Labcorp Genetics (formerly Invitae), Labcorp
Classification: Uncertain significance. Last evaluated: 2024-10-23. Review status: criteria provided, single submitter. Criteria: Invitae Variant Classification Sherloc (09022015). Collection method: clinical testing. Allele origin: germline.
Comment: This sequence change replaces alanine, which is neutral and non-polar, with valine, which is neutral and non-polar, at codon 191 of the TPRN protein (p.Ala191Val). The frequency data for this variant in the population databases is considered unreliable, as metrics indicate insufficient coverage at this position in the gnomAD database. This variant has not been reported in the literature in individuals affected with TPRN-related conditions. ClinVar contains an entry for this variant (Variation ID: 1481912). An algorithm developed to predict the effect of missense changes on protein structure and function (PolyPhen-2) suggests that this variant is likely to be disruptive. In summary, the available evidence is currently insufficient to determine the role of this variant in disease. Therefore, it has been classified as a Variant of Uncertain Significance.

NM_001128228.3(TPRN):c.572C>T (p.Ala191Val)

Gene: TPRN (taperin; minus strand). Cytogenetic location: 9q34.3.
Variant type: single nucleotide variant.
Coding change: c.572C>T on transcript NM_001128228.3 (MANE Select); coding-DNA position 572, C replaced by T.
Protein change: p.Ala191Val; replaces alanine 191 with valine.
Molecular consequence: missense variant.
Genome position (GRCh38, 1-based): chr9:137,200,140, G>A on the plus strand (C>T on the coding strand, the complement: TPRN is on the minus strand). VCF-style: chr9-137200140-G-A. GRCh37 (hg19) VCF-style: chr9-140094592-G-A.
Other names: c.572C>T (NM_001128228.2); short protein forms A191V.
Identifiers: ClinVar variation 1481912 (VCV001481912.7), dbSNP rs894485760, ClinGen allele CA201721323.